The following is an entry in ClinVar:

ClinVar aggregate classification (germline): Pathogenic/Likely pathogenic. Review status: criteria provided, multiple submitters, no conflicts (2 of 4 stars). 3 submissions from 3 submitters: Pathogenic (2); Likely pathogenic (1). Last evaluated 2022-02-25.

Conditions:
Von Hippel-Lindau syndrome (VHLS). Also called: von Hippel–Lindau syndrome; Von Hippel-Lindau; VHL syndrome. Identifiers: Orphanet 892, MedGen C0019562, MONDO:0008667, OMIM 193300. Disease mechanism: loss of function.
Chuvash polycythemia. Also called: POLYCYTHEMIA, VHL-DEPENDENT. Identifiers: Orphanet 238557, MedGen C1837915, MONDO:0009892, OMIM 263400.

Submissions (3):

Labcorp Genetics (formerly Invitae), Labcorp
Classification: Pathogenic for Von Hippel-Lindau syndrome; Chuvash polycythemia. Last evaluated: 2022-02-25. Review status: criteria provided, single submitter. Criteria: Invitae Variant Classification Sherloc (09022015). Collection method: clinical testing. Allele origin: germline.
Comment: For these reasons, this variant has been classified as Pathogenic. This variant disrupts the p.Leu188 amino acid residue in VHL. Other variant(s) that disrupt this residue have been determined to be pathogenic (PMID: 7563486, 7987306, 8772572, 12844285, 15642680, 23772956). This suggests that this residue is clinically significant, and that variants that disrupt this residue are likely to be disease-causing. Advanced modeling of protein sequence and biophysical properties (such as structural, functional, and spatial information, amino acid conservation, physicochemical variation, residue mobility, and thermodynamic stability) performed at Invitae indicates that this missense variant is expected to disrupt VHL protein function. ClinVar contains an entry for this variant (Variation ID: 625266). This variant is also known as c.776T>C. This missense change has been observed in individual(s) with von Hippel-Lindau syndrome (PMID: 9829911, 15300849; Invitae). This variant is not present in population databases (gnomAD no frequency). This sequence change replaces leucine, which is neutral and non-polar, with proline, which is neutral and non-polar, at codon 188 of the VHL protein (p.Leu188Pro).

Genomic Diagnostic Laboratory, Division of Genomic Diagnostics, Children's Hospital of Philadelphia
Classification: Likely pathogenic for von Hippel-Lindau syndrome. Last evaluated: 2018-08-01. Review status: criteria provided, single submitter. Criteria: DGD Variant Analysis Guidelines. Collection method: clinical testing. Allele origin: germline. Affected: yes. Observed: 1 variant allele.

Neuberg Centre For Genomic Medicine, NCGM
Classification: Pathogenic for Von Hippel-Lindau syndrome. Review status: criteria provided, single submitter. Criteria: ACMG Guidelines, 2015. Collection method: clinical testing. Allele origin: germline. Inheritance: Autosomal dominant inheritance. Affected: yes.
Comment: Other variant(s) [c.562C>G (p.Leu188Val); c.536T>G; p.Leu188Arg] that disrupt this residue have been determined to be pathogenic (Bangiyeva V, et al., 2009; Leonardi E, et al., 2011).

Literature cited by the submitters: PubMed 7563486 (cited by Labcorp Genetics (formerly Invitae), Labcorp); PubMed 7987306 (cited by Labcorp Genetics (formerly Invitae), Labcorp); PubMed 8772572 (cited by Labcorp Genetics (formerly Invitae), Labcorp); PubMed 12844285 (cited by Labcorp Genetics (formerly Invitae), Labcorp); PubMed 15642680 (cited by Labcorp Genetics (formerly Invitae), Labcorp); PubMed 23772956 (cited by Labcorp Genetics (formerly Invitae), Labcorp); PubMed 9829911 (cited by Labcorp Genetics (formerly Invitae), Labcorp); PubMed 15300849 (cited by Labcorp Genetics (formerly Invitae), Labcorp).

NM_000551.4(VHL):c.563T>C (p.Leu188Pro)

Genes: VHL (von Hippel-Lindau tumor suppressor; plus strand), LOC107303340 (3p25 von Hippel-Lindau tumor suppressor, E3 ubiquitin protein ligase Alu-mediated recombination region; plus strand). Cytogenetic location: 3p25.3.
Variant type: single nucleotide variant.
Coding change: c.563T>C on transcript NM_000551.4 (MANE Select); coding-DNA position 563, T replaced by C.
Protein change: p.Leu188Pro; replaces leucine 188 with proline.
Molecular consequence: missense variant. On other transcripts: 3 prime UTR variant (1).
Genome position (GRCh38, 1-based): chr3:10,149,886, T>C. VCF-style: chr3-10149886-T-C. GRCh37 (hg19) VCF-style: chr3-10191570-T-C.
Other names: c.*117T>C (NM_001354723.2); c.440T>C, p.Leu147Pro (NM_198156.3); short protein forms L188P, L147P.
Identifiers: ClinVar variation 625266 (VCV000625266.6), dbSNP rs1559429824, ClinGen allele CA351756399.